The following is an entry in ClinVar:

ClinVar aggregate classification (germline): Uncertain significance. Review status: criteria provided, multiple submitters, no conflicts (2 of 4 stars). 3 submissions from 3 submitters: Uncertain significance (3). Last evaluated 2025-08-21.

Conditions:
Age related macular degeneration 1 (ARMD1). Also called: MACULOPATHY, AGE-RELATED, 1. Identifiers: MedGen C1864205, MONDO:0011285, OMIM 603075.

Allele frequency attached by ClinVar (database versions not stated): gnomAD 0.00001; TOPMed 0.00004; gnomAD exomes 0.00005 and 0.00008; ExAC 0.00007; ESP Exome Variant Server 0.00015.
gnomAD v4.1: 124 of 1,613,214 alleles (0.0077%); highest among the groups gnomAD compares: Non-Finnish European, 0.01%; no homozygotes.

Submissions (3):

Ambry Genetics
Classification: Uncertain significance. Last evaluated: 2025-08-21. Review status: criteria provided, single submitter. Criteria: Ambry Variant Classification Scheme 2023. Collection method: clinical testing. Allele origin: germline.

Labcorp Genetics (formerly Invitae), Labcorp
Classification: Uncertain significance. Last evaluated: 2025-05-27. Review status: criteria provided, single submitter. Criteria: Invitae Variant Classification Sherloc (09022015). Collection method: clinical testing. Allele origin: germline.
Comment: This sequence change replaces asparagine, which is neutral and polar, with serine, which is neutral and polar, at codon 3300 of the HMCN1 protein (p.Asn3300Ser). This variant is present in population databases (rs146969586, gnomAD 0.01%). This variant has not been reported in the literature in individuals affected with HMCN1-related conditions. ClinVar contains an entry for this variant (Variation ID: 1463853). An algorithm developed to predict the effect of missense changes on protein structure and function (PolyPhen-2) suggests that this variant is likely to be tolerated. In summary, the available evidence is currently insufficient to determine the role of this variant in disease. Therefore, it has been classified as a Variant of Uncertain Significance.

Genome-Nilou Lab
Classification: Uncertain significance for Age related macular degeneration 1. Last evaluated: 2023-04-11. Review status: criteria provided, single submitter. Criteria: ACMG Guidelines, 2015. Collection method: clinical testing. Allele origin: germline. Affected: no.

NM_031935.3(HMCN1):c.9899A>G (p.Asn3300Ser)

Gene: HMCN1 (hemicentin 1; plus strand). Cytogenetic location: 1q31.1.
Variant type: single nucleotide variant.
Coding change: c.9899A>G on transcript NM_031935.3 (MANE Select); coding-DNA position 9899, A replaced by G.
Protein change: p.Asn3300Ser; replaces asparagine 3300 with serine.
Molecular consequence: missense variant.
Genome position (GRCh38, 1-based): chr1:186,093,145, A>G. VCF-style: chr1-186093145-A-G. GRCh37 (hg19) VCF-style: chr1-186062277-A-G.
Other names: c.9899A>G (NM_031935.2); short protein forms N3300S.
Identifiers: ClinVar variation 1463853 (VCV001463853.11), dbSNP rs146969586, ClinGen allele CA1293587.